The following is an entry in ClinVar:

ClinVar aggregate classification (germline): Likely pathogenic (1 of 4 stars; one submission).

Conditions:
Charcot-Marie-Tooth disease axonal type 2Z. Also called: CHARCOT-MARIE-TOOTH DISEASE, AXONAL, AUTOSOMAL DOMINANT, TYPE 2Z; CHARCOT-MARIE-TOOTH NEUROPATHY, TYPE 2Z. Identifiers: Orphanet 466768, MedGen C5569025, MONDO:0014736, OMIM 616688.

Submission:

The Genetics Institute, Rambam Health Care Campus
Classification: Likely pathogenic for Charcot-Marie-Tooth disease axonal type 2Z. Last evaluated: 2019-12-01. Review status: criteria provided, single submitter. Criteria: ACMG Guidelines, 2015. Collection method: clinical testing. Allele origin: de novo. Inheritance: Autosomal dominant inheritance. Affected: yes. Observed: 1 heterozygote.
Comment: This sequence change replaces Alanine with Valine at codon 88 of the MORC2 protein (p.Ala88Val). The Alanine residue is a highly conserved amino acid, up to c. elegans and there is a small physicochemical difference between Ala and Val (Grantham dist.: 64 [0-215]). This variant is absent from population databases (gnomAD). Pathogenic computational algorithms (DANN, MutationTaster, PolyPhen-2, SIFT, Align GVGD) are mostly supportive of a deleterious effect. a different pathogenic variant (p.Ser87Leu) was reported in proximity (Sevilla T. et al 2016, Douse C.H. et al 2018). We interpret this variant as likely pathogenic.

NM_001303256.3(MORC2):c.263C>T (p.Ala88Val)

Gene: MORC2 (MORC family CW-type zinc finger 2; minus strand). Cytogenetic location: 22q12.2.
Variant type: single nucleotide variant.
Coding change: c.263C>T on transcript NM_001303256.3 (MANE Select); coding-DNA position 263, C replaced by T.
Protein change: p.Ala88Val; replaces alanine 88 with valine.
Molecular consequence: missense variant.
Genome position (GRCh38, 1-based): chr22:30,949,806, G>A on the plus strand (C>T on the coding strand, the complement: MORC2 is on the minus strand). VCF-style: chr22-30949806-G-A. GRCh37 (hg19) VCF-style: chr22-31345792-G-A.
Other names: c.263C>T, p.Ala88Val (NM_001303257.2); c.77C>T, p.Ala26Val (NM_014941.3); short protein forms A88V, A26V.
Identifiers: ClinVar variation 695096 (VCV000695096.2), dbSNP rs1602499659, ClinGen allele CA411245171.